The following is an entry in ClinVar:

ClinVar aggregate classification (germline): Likely benign (0 of 4 stars; one submission).

Conditions:
FGF20-related disorder. Also called: FGF20-related condition.

Submission:

PreventionGenetics, part of Exact Sciences
Classification: Likely benign for FGF20-related condition. Last evaluated: 2021-10-04. Review status: no assertion criteria provided. Collection method: clinical testing. Allele origin: germline.
Comment: This variant is classified as likely benign based on ACMG/AMP sequence variant interpretation guidelines (Richards et al. 2015 PMID: 25741868, with internal and published modifications).

NM_019851.3(FGF20):c.240G>C (p.Leu80=)

Gene: FGF20 (fibroblast growth factor 20; minus strand). Cytogenetic location: 8p22.
Variant type: single nucleotide variant.
Coding change: c.240G>C on transcript NM_019851.3 (MANE Select); coding-DNA position 240, G replaced by C.
Protein change: p.Leu80=; no amino-acid change (leucine 80 retained).
Molecular consequence: synonymous variant.
Genome position (GRCh38, 1-based): chr8:17,001,793, C>G on the plus strand (G>C on the coding strand, the complement: FGF20 is on the minus strand). VCF-style: chr8-17001793-C-G. GRCh37 (hg19) VCF-style: chr8-16859302-C-G.
Identifiers: ClinVar variation 3042296 (VCV003042296.2), dbSNP rs1304371939, ClinGen allele CA459634935.